The following is an entry in ClinVar:

ClinVar aggregate classification (germline): Uncertain significance (1 of 4 stars; one submission).

gnomAD v4.1: 3 of 1,614,090 alleles (0.00019%); highest among the groups gnomAD compares: Admixed American, 0.0033%; no homozygotes.

Submission:

Dasa
Classification: Uncertain significance. Last evaluated: 2025-04-30. Review status: criteria provided, single submitter. Criteria: DASA Assertion Criteria. Collection method: clinical testing. Allele origin: germline.
Comment: NM_001355436.2(SPTB):c.3659A>G (p.Asn1220Ser) is a missense variant that results in the substitution of asparagine with serine. This variant is rare in population databases. Computational prediction algorithms are consistent with a benign effect. The currently available literature and clinical evidence are not sufficient to establish a definitive association between this variant and the reported condition. Therefore, this variant is classified as a variant of uncertain significance.

NM_001355436.2(SPTB):c.3659A>G (p.Asn1220Ser)

Gene: SPTB (spectrin beta, erythrocytic; minus strand). Cytogenetic location: 14q23.3.
Variant type: single nucleotide variant.
Coding change: c.3659A>G on transcript NM_001355436.2 (MANE Select); coding-DNA position 3659, A replaced by G.
Protein change: p.Asn1220Ser; replaces asparagine 1220 with serine.
Molecular consequence: missense variant.
Genome position (GRCh38, 1-based): chr14:64,785,854, T>C on the plus strand (A>G on the coding strand, the complement: SPTB is on the minus strand). VCF-style: chr14-64785854-T-C. GRCh37 (hg19) VCF-style: chr14-65252572-T-C.
Other names: c.3659A>G, p.Asn1220Ser (NM_001024858.4, NM_001355437.2); short protein forms N1220S.
Identifiers: ClinVar variation 4882943 (VCV004882943.2).